The following is an entry in ClinVar:

ClinVar aggregate classification (germline): Pathogenic (1 of 4 stars; one submission).

Conditions:
Cohen syndrome (COH1). Also called: Cutis verticis gyrata, retinitis pigmentosa, and sensorineural deafness; PEPPER SYNDROME. Identifiers: Orphanet 193, MedGen C0265223, MONDO:0008999, OMIM 216550.

gnomAD v4.1: 1 of 1,614,034 alleles (0.000062%); highest among the groups gnomAD compares: Non-Finnish European, 0.000085%; no homozygotes.

Submission:

Labcorp Genetics (formerly Invitae), Labcorp
Classification: Pathogenic for Cohen syndrome. Last evaluated: 2024-07-09. Review status: criteria provided, single submitter. Criteria: Invitae Variant Classification Sherloc (09022015). Collection method: clinical testing. Allele origin: germline.
Comment: This sequence change creates a premature translational stop signal (p.Gln2229*) in the VPS13B gene. It is expected to result in an absent or disrupted protein product. Loss-of-function variants in VPS13B are known to be pathogenic (PMID: 15141358, 16648375, 20461111). This variant is not present in population databases (gnomAD no frequency). This variant has not been reported in the literature in individuals affected with VPS13B-related conditions. Algorithms developed to predict the effect of sequence changes on RNA splicing suggest that this variant may disrupt the consensus splice site. For these reasons, this variant has been classified as Pathogenic.

Literature cited by the submitters: PubMed 15141358; PubMed 16648375; PubMed 20461111.

NM_152564.5(VPS13B):c.6610C>T (p.Gln2204Ter)

Gene: VPS13B (vacuolar protein sorting 13 homolog B; plus strand). Cytogenetic location: 8q22.2.
Variant type: single nucleotide variant.
Coding change: c.6610C>T on transcript NM_152564.5 (MANE Select); coding-DNA position 6610, C replaced by T.
Protein change: p.Gln2204Ter; replaces glutamine 2204 with a stop codon.
Molecular consequence: nonsense.
Genome position (GRCh38, 1-based): chr8:99,717,326, C>T. VCF-style: chr8-99717326-C-T. GRCh37 (hg19) VCF-style: chr8-100729554-C-T.
Other names: c.6685C>T, p.Gln2229Ter (NM_017890.5); short protein forms Q2229*, Q2204*.
Identifiers: ClinVar variation 3688091 (VCV003688091.2).